The following is an entry in ClinVar:

NM_003265.3(TLR3):c.1528A>G (p.Ile510Val)

Gene: TLR3 (toll like receptor 3; plus strand). Cytogenetic location: 4q35.1.
Variant type: single nucleotide variant.
Coding change: c.1528A>G on transcript NM_003265.3 (MANE Select); coding-DNA position 1528, A replaced by G.
Protein change: p.Ile510Val; replaces isoleucine 510 with valine.
Molecular consequence: missense variant.
Genome position (GRCh38, 1-based): chr4:186,083,214, A>G. VCF-style: chr4-186083214-A-G. GRCh37 (hg19) VCF-style: chr4-187004368-A-G.
Other names: c.1528A>G (NM_003265.2); short protein forms I510V.
Identifiers: ClinVar variation 1019874 (VCV001019874.8), dbSNP rs202066722, ClinGen allele CA3161426.

ClinVar aggregate classification (germline): Uncertain significance. Review status: criteria provided, multiple submitters, no conflicts (2 of 4 stars). 2 submissions from 2 submitters: Uncertain significance (2). Last evaluated 2024-01-09.

Conditions:
Encephalopathy, acute, infection-induced (herpes-specific), susceptibility to, 1. Also called: Herpes simplex encephalitis, susceptibility to, 1. Identifiers: Orphanet 1930, MedGen C2750180, MONDO:0024563, OMIM 610551.

Allele frequency attached by ClinVar (database versions not stated): gnomAD exomes 0.00001; 1000 Genomes Project 30x 0.00016; 1000 Genomes Project 0.00020; TOPMed 0.00002; ExAC 0.00002; gnomAD 0.00004.
gnomAD v4.1: 8 of 1,614,198 alleles (0.0005%); highest among the groups gnomAD compares: African/African-American, 0.011%; no homozygotes.

Submissions (2):

Ambry Genetics
Classification: Uncertain significance. Last evaluated: 2024-01-09. Review status: criteria provided, single submitter. Criteria: Ambry Variant Classification Scheme 2023. Collection method: clinical testing. Allele origin: germline.

Labcorp Genetics (formerly Invitae), Labcorp
Classification: Uncertain significance for Encephalopathy, acute, infection-induced (herpes-specific), susceptibility to, 1. Last evaluated: 2022-07-19. Review status: criteria provided, single submitter. Criteria: Invitae Variant Classification Sherloc (09022015). Collection method: clinical testing. Allele origin: germline.
Comment: ClinVar contains an entry for this variant (Variation ID: 1019874). In summary, the available evidence is currently insufficient to determine the role of this variant in disease. Therefore, it has been classified as a Variant of Uncertain Significance. Algorithms developed to predict the effect of missense changes on protein structure and function output the following: SIFT: "Tolerated"; PolyPhen-2: "Benign"; Align-GVGD: "Class C0". The valine amino acid residue is found in multiple mammalian species, which suggests that this missense change does not adversely affect protein function. This variant has not been reported in the literature in individuals affected with TLR3-related conditions. This variant is present in population databases (rs202066722, gnomAD 0.02%). This sequence change replaces isoleucine, which is neutral and non-polar, with valine, which is neutral and non-polar, at codon 510 of the TLR3 protein (p.Ile510Val).